The following is an entry in ClinVar:

ClinVar aggregate classification (germline): Conflicting classifications of pathogenicity. Review status: criteria provided, conflicting classifications (1 of 4 stars). 4 submissions from 4 submitters: Uncertain significance (3); Likely benign (1). Last evaluated 2025-06-29.

Conditions:
Hereditary cancer-predisposing syndrome. Also called: Hereditary Cancer Syndrome; Neoplastic Syndromes, Hereditary; Hereditary neoplastic syndrome; Tumor predisposition. Identifiers: Orphanet 140162, MedGen C0027672, MeSH D009386, MONDO:0015356.
Hereditary breast ovarian cancer syndrome. Also called: BRCA1- and BRCA2-Associated Hereditary Breast and Ovarian Cancer; Hereditary breast and ovarian cancer syndrome; Hereditary breast and/or ovarian cancer syndrome; Breast and ovarian cancer; Hereditary breast and ovarian cancer; Hereditary breast and ovarian cancer syndrome (HBOC). Identifiers: Orphanet 145, MedGen C0677776, MeSH D061325, MONDO:0003582. Disease mechanism: loss of function.

Submissions (4):

Labcorp Genetics (formerly Invitae), Labcorp
Classification: Uncertain significance for Hereditary breast ovarian cancer syndrome. Last evaluated: 2025-06-29. Review status: criteria provided, single submitter. Criteria: Invitae Variant Classification Sherloc (09022015). Collection method: clinical testing. Allele origin: germline.
Comment: This sequence change replaces asparagine, which is neutral and polar, with aspartic acid, which is acidic and polar, at codon 1043 of the BRCA1 protein (p.Asn1043Asp). This variant is not present in population databases (gnomAD no frequency). This variant has not been reported in the literature in individuals affected with BRCA1-related conditions. ClinVar contains an entry for this variant (Variation ID: 142668). Invitae Evidence Modeling of protein sequence and biophysical properties (such as structural, functional, and spatial information, amino acid conservation, physicochemical variation, residue mobility, and thermodynamic stability) indicates that this missense variant is not expected to disrupt BRCA1 protein function with a negative predictive value of 80%. In summary, the available evidence is currently insufficient to determine the role of this variant in disease. Therefore, it has been classified as a Variant of Uncertain Significance.

Quest Diagnostics Nichols Institute San Juan Capistrano
Classification: Uncertain significance. Last evaluated: 2024-11-29. Review status: criteria provided, single submitter. Criteria: Quest Diagnostics criteria. Collection method: clinical testing. Allele origin: unknown.
Comment: The BRCA1 c.3127A>G (p.Asn1043Asp) variant has been reported to be located in a region of the BRCA1 gene that is tolerant to missense sequence changes (PMID: 31911673 (2020)). To the best of our knowledge, this variant has not been reported in individuals with BRCA1-related disorders. It also has not been reported in large, multi-ethnic general populations (Genome Aggregation Database). Analysis of this variant using bioinformatics tools for the prediction of the effect of amino acid changes on protein structure and function yielded predictions that this variant is benign. Based on the available information, we are unable to determine the clinical significance of this variant.

Ambry Genetics
Classification: Uncertain significance for Hereditary cancer-predisposing syndrome. Last evaluated: 2024-08-21. Review status: criteria provided, single submitter. Criteria: Ambry Variant Classification Scheme 2023. Collection method: clinical testing. Allele origin: germline.
Comment: The p.N1043D variant (also known as c.3127A>G), located in coding exon 9 of the BRCA1 gene, results from an A to G substitution at nucleotide position 3127. The asparagine at codon 1043 is replaced by aspartic acid, an amino acid with highly similar properties. This amino acid position is highly conserved in available higher primate species. In addition, this alteration is predicted to be tolerated by in silico analysis. Based on the available evidence, the clinical significance of this variant remains unclear.

University of Washington Department of Laboratory Medicine, University of Washington
Classification: Likely benign for Hereditary cancer-predisposing syndrome. Last evaluated: 2023-03-23. Review status: criteria provided, single submitter. Criteria: Dines et al. (Genet Med. 2020). Collection method: curation. Allele origin: germline.
Comment: Missense variant in a coldspot region where missense variants are very unlikely to be pathogenic (PMID:31911673).

BRCA1 coldspot (exon 11 using historical exon numbering). Reclassification based on statistical prior probability

Literature cited by the submitters: PubMed 29884841 (cited by Quest Diagnostics Nichols Institute San Juan Capistrano); PubMed 32377563 (cited by Quest Diagnostics Nichols Institute San Juan Capistrano); PubMed 31911673 (cited by Quest Diagnostics Nichols Institute San Juan Capistrano); PubMed 33087888 (cited by Quest Diagnostics Nichols Institute San Juan Capistrano); PubMed 30702160 (cited by Quest Diagnostics Nichols Institute San Juan Capistrano); PubMed 36922933 (cited by Quest Diagnostics Nichols Institute San Juan Capistrano).

NM_007294.4(BRCA1):c.3127A>G (p.Asn1043Asp)

Gene: BRCA1 (BRCA1 DNA repair associated; minus strand). Cytogenetic location: 17q21.31.
Variant type: single nucleotide variant.
Coding change: c.3127A>G on transcript NM_007294.4 (MANE Select); coding-DNA position 3127, A replaced by G.
Protein change: p.Asn1043Asp; replaces asparagine 1043 with aspartic acid.
Molecular consequence: missense variant. On other transcripts: intron variant (137).
Genome position (GRCh38, 1-based): chr17:43,092,404, T>C on the plus strand (A>G on the coding strand, the complement: BRCA1 is on the minus strand). VCF-style: chr17-43092404-T-C. GRCh37 (hg19) VCF-style: chr17-41244421-T-C.
Other names: c.3124A>G, p.Asn1042Asp (NM_001407627.1, NM_001407628.1, NM_001407629.1 and 22 more transcripts); c.3127A>G, p.Asn1043Asp (NM_001407639.1, NM_001407640.1, NM_001407641.1 and 30 more transcripts); c.3118A>G, p.Asn1040Asp (NM_001407646.1, NM_001407647.1); c.3004A>G, p.Asn1002Asp (NM_001407648.1, NM_001407664.1, NM_001407665.1 and 19 more transcripts); c.3001A>G, p.Asn1001Asp (NM_001407649.1, NM_001407670.1, NM_001407671.1 and 11 more transcripts); c.3049A>G, p.Asn1017Asp (NM_001407653.1, NM_001407654.1, NM_001407655.1 and 4 more transcripts); c.3046A>G, p.Asn1016Asp (NM_001407659.1, NM_001407660.1, NM_001407661.1 and 1 more transcripts); c.2986A>G, p.Asn996Asp (NM_001407692.1, NM_001407694.1, NM_001407695.1 and 29 more transcripts); and 41 more; short protein forms N1043D, N996D, N1016D, N1040D, N916D, N955D, N972D, N1002D.
Identifiers: ClinVar variation 142668 (VCV000142668.15), dbSNP rs587782630, ClinGen allele CA002044.